The following is an entry in ClinVar:

NM_000458.4(HNF1B):c.224C>T (p.Ser75Phe)

Gene: HNF1B (HNF1 homeobox B; minus strand). Cytogenetic location: 17q12.
Variant type: single nucleotide variant.
Coding change: c.224C>T on transcript NM_000458.4 (MANE Select); coding-DNA position 224, C replaced by T.
Protein change: p.Ser75Phe; replaces serine 75 with phenylalanine.
Molecular consequence: missense variant.
Genome position (GRCh38, 1-based): chr17:37,744,661, G>A on the plus strand (C>T on the coding strand, the complement: HNF1B is on the minus strand). VCF-style: chr17-37744661-G-A. GRCh37 (hg19) VCF-style: chr17-36104652-G-A.
Other names: c.224C>T, p.Ser75Phe (NM_001165923.4, NM_001304286.2, NM_001411100.1); short protein forms S75F.
Identifiers: ClinVar variation 4980986 (VCV004980986.1).

ClinVar aggregate classification (germline): Uncertain significance (1 of 4 stars; one submission).

Conditions:
HNF1B-related disorder. Also called: HNF1B-related condition; HNF1B-related disorders.

gnomAD v4.1: 7 of 1,613,228 alleles (0.00043%); highest among the groups gnomAD compares: Middle Eastern, 0.099%; no homozygotes.

Submission:

PreventionGenetics, part of Exact Sciences
Classification: Uncertain significance for HNF1B-related condition. Last evaluated: 2025-02-07. Review status: criteria provided, single submitter. Criteria: ACMG Guidelines, 2015. Collection method: clinical testing. Allele origin: germline.
Comment: The HNF1B c.224C>T variant is predicted to result in the amino acid substitution p.Ser75Phe. To our knowledge, this variant has not been reported in the literature. This variant is reported in 0.0033% of alleles in individuals of South Asian descent in gnomAD. At this time, the clinical significance of this variant is uncertain due to the absence of conclusive functional and genetic evidence.